The following is an entry in ClinVar:

NM_000195.5(HPS1):c.1657C>T (p.Gln553Ter)

Gene: HPS1 (HPS1 biogenesis of lysosomal organelles complex 3 subunit 1; minus strand). Cytogenetic location: 10q24.2.
Variant type: single nucleotide variant.
Coding change: c.1657C>T on transcript NM_000195.5 (MANE Select); coding-DNA position 1657, C replaced by T.
Protein change: p.Gln553Ter; replaces glutamine 553 with a stop codon.
Molecular consequence: nonsense.
Genome position (GRCh38, 1-based): chr10:98,422,455, G>A on the plus strand (C>T on the coding strand, the complement: HPS1 is on the minus strand). VCF-style: chr10-98422455-G-A. GRCh37 (hg19) VCF-style: chr10-100182212-G-A.
Other names: c.685C>T, p.Gln229Ter (NM_001322487.2, NM_001322489.2, NM_001311345.2); c.1657C>T, p.Gln553Ter (NM_001322476.2, NM_001322477.2); c.1558C>T, p.Gln520Ter (NM_001322478.2, NM_001322479.2); c.1396C>T, p.Gln466Ter (NM_001322480.2, NM_001322481.2); c.1297C>T, p.Gln433Ter (NM_001322482.2); c.1288C>T, p.Gln430Ter (NM_001322483.2, NM_001322484.2); c.1189C>T, p.Gln397Ter (NM_001322485.2); short protein forms Q229*, Q397*, Q430*, Q433*, Q466*, Q520*, Q553*.
Identifiers: ClinVar variation 694730 (VCV000694730.8), dbSNP rs1591031929, ClinGen allele CA378044171.

ClinVar aggregate classification (germline): Pathogenic/Likely pathogenic. Review status: criteria provided, multiple submitters, no conflicts (2 of 4 stars). 3 submissions from 3 submitters: Pathogenic (2); Likely pathogenic (1). Last evaluated 2025-06-15.

Conditions:
Hermansky-Pudlak syndrome 1 (HPS1). Also called: DELTA STORAGE POOL DISEASE. Identifiers: Orphanet 231500, Orphanet 79430, MedGen C2931875, MONDO:0008748, OMIM 203300.

Submissions (3):

Myriad Genetics, Inc.
Classification: Pathogenic for Hermansky-Pudlak syndrome 1. Last evaluated: 2025-06-15. Review status: criteria provided, single submitter. Criteria: Myriad Autosomal Dominant, Autosomal Recessive and X-Linked Classification Criteria (2023). Collection method: clinical testing. Allele origin: unknown.
Comment: NM_000195.3(HPS1):c.1657C>T(Q553*) is expected to be pathogenic in the context of Hermansky-Pudlak syndrome, HPS1-related. This variant is predicted to lead to an abnormal or absent protein product due to the creation of a premature termination codon in HPS1, a gene where loss-of-function variants are known to be pathogenic. Please note: this variant was assessed in the context of healthy population screening.

Baylor Genetics
Classification: Likely pathogenic for Hermansky-Pudlak syndrome 1. Last evaluated: 2023-05-31. Review status: criteria provided, single submitter. Criteria: ACMG Guidelines, 2015. Collection method: clinical testing. Allele origin: unknown.

Diagnostics Services (NGS), CSIR - Centre For Cellular And Molecular Biology
Classification: Pathogenic for Hermansky-Pudlak syndrome 1. Last evaluated: 2019-08-05. Review status: criteria provided, single submitter. Criteria: ACMG Guidelines, 2015. Collection method: clinical testing. Allele origin: germline. Inheritance: Autosomal recessive inheritance. Affected: yes. Observed: 1 compound heterozygote.
Comment: The c.1657C>T is a nonsense variant, creating a premature stop codon at 553 position, that may result a truncated protein or nonsense mediated decay (NMD) and c.507+2T>G is a donor splice-site variant, may affect the splicing.This variant is not present only in publicly available databases like 1000 Genomes, Exome Variant Server (EVS), Exome Aggregation Consortium (ExAC), Genome Aggregation Database (gnomAD) and dbSNP. The variant is not present in our in-house exome database. This variant was not reported earlier in other patients of HPS1 in OMIM, HGMD and ClinVar databases. In-silico pathogenicity prediction programs like SIFT, Polyphen2, Mutation Taster2, CADD, InterVar etc. predicted it to be likely disease causing. As per ACMG guidelines the variant has been classified as pathogenic.